The following is an entry in ClinVar:

NM_000540.3(RYR1):c.14173-2A>G

Gene: RYR1 (ryanodine receptor 1; plus strand). Cytogenetic location: 19q13.2.
Variant type: single nucleotide variant.
Coding change: c.14173-2A>G on transcript NM_000540.3 (MANE Select); the canonical splice acceptor site of the intron before coding-DNA position 14173, A replaced by G.
Molecular consequence: splice acceptor variant.
Genome position (GRCh38, 1-based): chr19:38,577,916, A>G. VCF-style: chr19-38577916-A-G. GRCh37 (hg19) VCF-style: chr19-39068556-A-G.
Other names: c.14158-2A>G (NM_001042723.2).
Identifiers: ClinVar variation 590446 (VCV000590446.25), dbSNP rs1189024951, ClinGen allele CA405684067.

ClinVar aggregate classification (germline): Conflicting classifications of pathogenicity. Review status: criteria provided, conflicting classifications (1 of 4 stars). 8 submissions from 8 submitters: Pathogenic (2); Likely pathogenic (3); Uncertain significance (1). 2 of the submissions do not count toward it. Last evaluated 2026-07-28.

Conditions:
Congenital multicore myopathy with external ophthalmoplegia (CMYO1B). Also called: Congenital myopathy 1B, autosomal recessive; Minicore myopathy; Minicore myopathy with external ophthalmoplegia; MULTIMINICORE DISEASE WITH EXTERNAL OPHTHALMOPLEGIA; MULTICORE MYOPATHY. Identifiers: Orphanet 598, Orphanet 98905, MedGen C1850674, MONDO:0009712, OMIM 255320, HP:0003789.
Malignant hyperthermia, susceptibility to, 1 (MHS1). Also called: RYR1-Related Malignant Hyperthermia Susceptibility; Anesthesia related hyperthermia; Malignant hyperpyrexia; Fulminating hyperpyrexia; Pharmacogenic myopathy; Malignant hyperthermia suceptibility 1. Identifiers: Orphanet 423, MedGen C2930980, MONDO:0007783, OMIM 145600.
Central core myopathy (CMYO1A). Also called: Central core disease; Myopathy, central fibrillar; CONGENITAL MYOPATHY 1A, AUTOSOMAL DOMINANT, WITH SUSCEPTIBILITY TO MALIGNANT HYPERTHERMIA. Identifiers: Orphanet 597, MedGen C5830701, MONDO:0007294, OMIM 117000.
King Denborough syndrome (KDS). Identifiers: MedGen C1840365, MONDO:0020485, OMIM 619542.
RYR1-related disorder. Also called: RYR1-related condition; RYR1-related disorders. Identifiers: MedGen CN239331.

Allele frequency attached by ClinVar (database versions not stated): gnomAD exomes below 0.00001 and 0.00002; gnomAD 0.00002; TOPMed 0.00001.
gnomAD v4.1: 21 of 1,613,994 alleles (0.0013%); highest among the groups gnomAD compares: Non-Finnish European, 0.0017%; no homozygotes.

Submissions (8):

GeneDx
Classification: Likely pathogenic. Last evaluated: 2026-07-28. Review status: criteria provided, single submitter. Criteria: GeneDx Variant Classification Process June 2021. Collection method: clinical testing. Allele origin: germline.
Comment: Canonical splice site variant predicted to result in a null allele in a gene for which loss of function is a known mechanism of disease; Reported with two other variants in the RYR1 gene in a patient with congenital myopathy in the published literature; however, segregation information was not provided (PMID: 22473935); Not observed at significant frequency in large population cohorts (gnomAD); This variant is associated with the following publications: (PMID: 22473935, 37643885)

Labcorp Genetics (formerly Invitae), Labcorp
Classification: Pathogenic for RYR1-related disorder. Last evaluated: 2025-06-22. Review status: criteria provided, single submitter. Criteria: Invitae Variant Classification Sherloc (09022015). Collection method: clinical testing. Allele origin: germline.
Comment: This sequence change affects an acceptor splice site in intron 97 of the RYR1 gene. It is expected to disrupt RNA splicing. Variants that disrupt the donor or acceptor splice site typically lead to a loss of protein function (PMID: 16199547), and loss-of-function variants in RYR1 are known to be pathogenic (PMID: 23919265, 25960145, 28818389, 30611313). This variant is present in population databases (no rsID available, gnomAD 0.0009%). Disruption of this splice site has been observed in individuals with autosomal recessive congenital myopathy (PMID: 22473935; internal data). ClinVar contains an entry for this variant (Variation ID: 590446). Algorithms developed to predict the effect of sequence changes on RNA splicing suggest that this variant may disrupt the consensus splice site. For these reasons, this variant has been classified as Pathogenic.

Variantyx, Inc.
Classification: Pathogenic for Congenital multicore myopathy with external ophthalmoplegia. Last evaluated: 2025-03-26. Review status: criteria provided, single submitter. Criteria: Variantyx Assertion Criteria 2022. Collection method: clinical testing. Allele origin: paternal. Inheritance: Autosomal recessive inheritance.
Comment: This is a canonical splicing variant in the RYR1 gene (OMIM: 180901). Pathogenic variants in this gene have been associated with autosomal recessive congenital myopathy 1B. This splicing variant is expected to result in loss of function, which is a known disease mechanism for RYR1 in this disorder (PMID:20583297, 20839240, 23919265, 28818389) (PVS1). This variant has a 0.0017% maximum allele frequency in non-founder control populations (PM2). Moreover, the clinical symptoms reported for this proband are highly specific for autosomal recessive congenital myopathy 1B, which has a limited genetic etiology (PMID: 26932181) (PP4). Based on the current evidence, this variant is classified as pathogenic for autosomal recessive congenital myopathy 1B.

Fulgent Genetics
Classification: Likely pathogenic for Central core myopathy; Malignant hyperthermia, susceptibility to, 1; Congenital multicore myopathy with external ophthalmoplegia; King Denborough syndrome. Last evaluated: 2024-05-29. Review status: criteria provided, single submitter. Criteria: ACMG Guidelines, 2015. Collection method: clinical testing. Allele origin: germline.

Color Diagnostics, LLC DBA Color Health
Classification: Uncertain significance for Malignant hyperthermia, susceptibility to, 1. Last evaluated: 2024-04-17. Review status: criteria provided, single submitter. Criteria: ACMG Guidelines, 2015. Collection method: clinical testing. Allele origin: germline.
Comment: This variant causes an A>G nucleotide substitution at the -2 position of intron 97 of the RYR1 gene. Splice site prediction tools suggest that this variant may have a significant impact on RNA splicing. Loss of RYR1 function is not an established disease mechanism for autosomal dominant malignant hyperthermia, although it is associated with other phenotype(s) (ClinVar Variation ID: 590446). This variant has been identified in 1/251348 chromosomes in the general population by the Genome Aggregation Database (gnomAD). Due to insufficient evidence, this variant is classified as a Variant of Uncertain Significance for autosomal dominant malignant hyperthermia.

Revvity Omics, Revvity
Classification: Likely pathogenic. Last evaluated: 2021-06-01. Review status: criteria provided, single submitter. Criteria: ACMG Guidelines, 2015. Collection method: clinical testing. Allele origin: germline.

PreventionGenetics, part of Exact Sciences
Classification: Pathogenic for RYR1-related condition. Last evaluated: 2023-10-28. Review status: no assertion criteria provided. Collection method: clinical testing. Allele origin: germline. Not counted in ClinVar's aggregate classification.
Comment: The RYR1 c.14173-2A>G variant is predicted to disrupt the AG splice acceptor site and interfere with normal splicing. This variant has been reported to be causative for autosomal recessive RYR1-related congenital myopathy (Klein et al. 2012. PubMed ID: 22473935; also reported as patient 213 in Table S1, Amburgey et al. 2013. PubMed ID: 23919265). This variant is reported in 0.00088% of alleles in individuals of European (Non-Finnish) descent in gnomAD. Variants that disrupt the consensus splice acceptor site in RYR1 are expected to be pathogenic. This variant is interpreted as pathogenic.

All of Us Research Program, National Institutes of Health
Classification: Uncertain significance for Malignant hyperthermia, susceptibility to, 1. Last evaluated: 2024-06-11. Review status: flagged submission. Criteria: ACMG Guidelines, 2015. Collection method: clinical testing. Allele origin: germline. Inheritance: Autosomal dominant inheritance. Observed: 6 variant alleles, 6 heterozygotes. Not counted in ClinVar's aggregate classification.
Comment: This variant causes an A>G nucleotide substitution at the -2 position of intron 97 of the RYR1 gene. Splice site prediction tools suggest that this variant may have a significant impact on RNA splicing. Loss of RYR1 function is not an established disease mechanism for autosomal dominant malignant hyperthermia, although it is associated with other phenotype(s) (ClinVar Variation ID: 590446). This variant has been identified in 1/251348 chromosomes in the general population by the Genome Aggregation Database (gnomAD). Due to insufficient evidence, this variant is classified as a Variant of Uncertain Significance for autosomal dominant malignant hyperthermia.

This study involves interpretation of variants in research participants for the purpose of population health screening. Participant phenotype was not available at the time of variant classification. Additional details can be found in publication PMID: 35346344, PMCID: PMC8962531
ClinVar note: Reason: Outlier claim with insufficient supporting evidence

Literature cited by the submitters: PubMed 16199547 (cited by Labcorp Genetics (formerly Invitae), Labcorp); PubMed 23919265 (cited by Labcorp Genetics (formerly Invitae), Labcorp and Variantyx, Inc.); PubMed 25960145 (cited by Labcorp Genetics (formerly Invitae), Labcorp); PubMed 28818389 (cited by Labcorp Genetics (formerly Invitae), Labcorp and Variantyx, Inc.); PubMed 30611313 (cited by Labcorp Genetics (formerly Invitae), Labcorp); PubMed 22473935 (cited by Labcorp Genetics (formerly Invitae), Labcorp); PubMed 20583297 (cited by Variantyx, Inc.); PubMed 20839240 (cited by Variantyx, Inc.).